The following is an entry in ClinVar:

NM_002880.4(RAF1):c.*190G>A

Gene: RAF1 (Raf-1 proto-oncogene, serine/threonine kinase; minus strand). Cytogenetic location: 3p25.2.
Variant type: single nucleotide variant.
Coding change: c.*190G>A on transcript NM_002880.4 (MANE Select); 190 bases downstream of the stop codon, G replaced by A.
Molecular consequence: 3 prime UTR variant. On other transcripts: non-coding transcript variant (3).
Genome position (GRCh38, 1-based): chr3:12,584,324, C>T on the plus strand (G>A on the coding strand, the complement: RAF1 is on the minus strand). VCF-style: chr3-12584324-C-T. GRCh37 (hg19) VCF-style: chr3-12625823-C-T.
Other names: c.*190G>A (NM_001354689.3, NM_001354690.3, NM_001354691.3 and 4 more transcripts).
Identifiers: ClinVar variation 343099 (VCV000343099.29), dbSNP rs528863135, ClinGen allele CA10617117.

ClinVar aggregate classification (germline): Conflicting classifications of pathogenicity. Review status: criteria provided, conflicting classifications (1 of 4 stars). 3 submissions from 2 submitters: Uncertain significance (1); Benign (1); Likely benign (1). Last evaluated 2023-07-01.

Conditions:
Noonan syndrome 5 (NS5). Also called: RAF1-Related Noonan Syndrome. Identifiers: Orphanet 648, MedGen C1969057, MONDO:0012690, OMIM 611553. Disease mechanism: gain of function.
LEOPARD syndrome 2 (LPRD2). Also called: RAF1-Related LEOPARD Syndrome. Identifiers: Orphanet 500, MedGen C1969056, MONDO:0012691, OMIM 611554.

Allele frequency attached by ClinVar (database versions not stated): 1000 Genomes Project 30x 0.00078; 1000 Genomes Project 0.00140; TOPMed 0.00271; gnomAD 0.00315 and 0.00335; gnomAD exomes 0.00394.
gnomAD v4.1: 2,556 of 687,988 alleles (0.37%); highest among the groups gnomAD compares: Non-Finnish European, 0.57%; 13 homozygotes.

Submissions (3):

CeGaT Center for Human Genetics Tuebingen
Classification: Likely benign. Last evaluated: 2023-07-01. Review status: criteria provided, single submitter. Criteria: CeGaT Center For Human Genetics Tuebingen Variant Classification Criteria Version 2. Collection method: clinical testing. Allele origin: germline. Affected: yes. Observed: 6 variant alleles.
Comment: RAF1: BS1

Illumina Laboratory Services, Illumina
Classification: Uncertain significance for Noonan syndrome 5. Last evaluated: 2018-01-12. Review status: criteria provided, single submitter. Criteria: ICSL Variant Classification Criteria 13 December 2019. Collection method: clinical testing. Allele origin: germline.

Illumina Laboratory Services, Illumina
Classification: Benign for LEOPARD syndrome 2. Last evaluated: 2018-01-12. Review status: criteria provided, single submitter. Criteria: ICSL Variant Classification Criteria 13 December 2019. Collection method: clinical testing. Allele origin: germline.
Comment: This variant was observed in the ICSL laboratory as part of a predisposition screen in an ostensibly healthy population. It had not been previously curated by ICSL or reported in the Human Gene Mutation Database (HGMD: prior to June 1st, 2018), and was therefore a candidate for classification through an automated scoring system. Utilizing variant allele frequency, disease prevalence and penetrance estimates, and inheritance mode, an automated score was calculated to assess if this variant is too frequent to cause the disease. Based on the score and internal cut-off values, a variant classified as benign is not then subjected to further curation. The score for this variant resulted in a classification of benign for this disease.